The following is an entry in ClinVar:

NM_172240.3(POC1B):c.703_704del (p.Ser235fs)

Genes: POC1B (POC1 centriolar protein B; minus strand), POC1B-DUSP6 (POC1B-DUSP6 readthrough; minus strand). Cytogenetic location: 12q21.33.
Variant type: Deletion.
Coding change: c.703_704del on transcript NM_172240.3 (MANE Select); coding-DNA positions 703 to 704, 2 bases deleted (TC; older notation c.703_704delTC).
Protein change: p.Ser235fs; shifts the reading frame from serine 235.
Molecular consequence: frameshift variant. On other transcripts: non-coding transcript variant (2).
Genome position (GRCh38, 1-based): chr12:89,470,467-89,470,468, GA deleted on the plus strand (TC on the coding strand, the reverse complement: POC1B is on the minus strand). VCF-style (leftmost placement, unchanged base first): chr12-89470466-TGA-T. GRCh37 (hg19) VCF-style: chr12-89864243-TGA-T.
Other names: c.577_578del, p.Ser193fs (NM_001199777.2); short protein forms S235fs, S193fs.
Identifiers: ClinVar variation 1965299 (VCV001965299.5), dbSNP rs1882847374, ClinGen allele CA2053552935.

ClinVar aggregate classification (germline): Pathogenic (1 of 4 stars; one submission).

Allele frequency attached by ClinVar (database versions not stated): TOPMed below 0.00001.

Submission:

Labcorp Genetics (formerly Invitae), Labcorp
Classification: Pathogenic. Last evaluated: 2022-10-13. Review status: criteria provided, single submitter. Criteria: Invitae Variant Classification Sherloc (09022015). Collection method: clinical testing. Allele origin: germline.
Comment: For these reasons, this variant has been classified as Pathogenic. This variant has not been reported in the literature in individuals affected with POC1B-related conditions. This variant is not present in population databases (gnomAD no frequency). This sequence change creates a premature translational stop signal (p.Ser235Ilefs*6) in the POC1B gene. It is expected to result in an absent or disrupted protein product. Loss-of-function variants in POC1B are known to be pathogenic (PMID: 25018096, 29220607).

Literature cited by the submitters: PubMed 25018096; PubMed 29220607.